The following is an entry in ClinVar:

ClinVar aggregate classification (germline): Likely benign (1 of 4 stars; one submission).

Allele frequency attached by ClinVar (database versions not stated): gnomAD exomes 0.00003; ExAC 0.00005; gnomAD 0.00005; TOPMed 0.00008; 1000 Genomes Project 0.00026; 1000 Genomes Project 30x 0.00042.
gnomAD v4.1: 34 of 1,208,672 alleles (0.0028%); highest among the groups gnomAD compares: Middle Eastern, 0.023%; no homozygotes.

Submission:

CeGaT Center for Human Genetics Tuebingen
Classification: Likely benign. Last evaluated: 2022-04-01. Review status: criteria provided, single submitter. Criteria: CeGaT Center For Human Genetics Tuebingen Variant Classification Criteria Version 2. Collection method: clinical testing. Allele origin: germline. Affected: yes. Observed: 1 variant allele.
Comment: GPR50: BP4, BP7

NM_004224.3(GPR50):c.882C>T (p.Tyr294=)

Gene: GPR50 (G protein-coupled receptor 50; plus strand). Cytogenetic location: Xq28.
Variant type: single nucleotide variant.
Coding change: c.882C>T on transcript NM_004224.3 (MANE Select); coding-DNA position 882, C replaced by T.
Protein change: p.Tyr294=; no amino-acid change (tyrosine 294 retained).
Molecular consequence: synonymous variant.
Genome position (GRCh38, 1-based): chrX:151,180,465, C>T. VCF-style: chrX-151180465-C-T. GRCh37 (hg19) VCF-style: chrX-150348937-C-T.
Identifiers: ClinVar variation 2661641 (VCV002661641.24), dbSNP rs758407918, ClinGen allele CA10540322.
Genomic context (GRCh38, chrX:151,180,465, plus strand): 5'-GCTTTATCTTGCAGCCTACTTCATAGCCTACTTCAACAGCTGCCTCAACGCTGTGATCTA[C>T]GGGCTCCTCAATGAGAATTTCCGAAGAGAATACTGGACCATCTTCCATGCTATGCGGCAC-3'
Protein context (NP_004215.2, residues 284-304): YFNSCLNAVI[Tyr294=]GLLNENFRRE